The following is an entry in ClinVar:

ClinVar aggregate classification (germline): Pathogenic/Likely pathogenic. Review status: criteria provided, multiple submitters, no conflicts (2 of 4 stars). 9 submissions from 9 submitters: Pathogenic (7); Likely pathogenic (1). 1 of the submissions does not count toward it. Last evaluated 2026-07-08.

Conditions:
VPS13B-related disorder. Also called: VPS13B-related condition.
Cohen syndrome (COH1). Also called: PEPPER SYNDROME; Cutis verticis gyrata, retinitis pigmentosa, and sensorineural deafness. Identifiers: Orphanet 193, MedGen C0265223, MONDO:0008999, OMIM 216550.

Allele frequency attached by ClinVar (database versions not stated): ExAC 0.00001; gnomAD 0.00002; TOPMed 0.00002.
gnomAD v4.1: 30 of 1,613,096 alleles (0.0019%); highest among the groups gnomAD compares: Non-Finnish European, 0.0025%; no homozygotes.

Submissions (9):

PreventionGenetics, part of Exact Sciences
Classification: Pathogenic for VPS13B-related condition. Last evaluated: 2026-07-08. Review status: criteria provided, single submitter. Criteria: ACMG Guidelines, 2015. Collection method: clinical testing. Allele origin: germline.
Comment: The VPS13B c.1915C>T variant is predicted to result in premature protein termination (p.Arg639*). This variant was reported to be causative for Cohen syndrome (Table S1, Stone et al. 2017. PubMed ID: 28559085). This variant is reported in 0.0031% of alleles in individuals of European (Non-Finnish) descent in gnomAD. Nonsense variants in VPS13B are expected to be pathogenic. This variant is interpreted as pathogenic.

Labcorp Genetics (formerly Invitae), Labcorp
Classification: Pathogenic for Cohen syndrome. Last evaluated: 2025-01-24. Review status: criteria provided, single submitter. Criteria: Invitae Variant Classification Sherloc (09022015). Collection method: clinical testing. Allele origin: germline.
Comment: This sequence change creates a premature translational stop signal (p.Arg639*) in the VPS13B gene. It is expected to result in an absent or disrupted protein product. Loss-of-function variants in VPS13B are known to be pathogenic (PMID: 15141358, 16648375, 20461111). This variant is present in population databases (rs764776104, gnomAD 0.003%). This premature translational stop signal has been observed in individual(s) with clinical features of Cohen syndrome (PMID: 28559085). ClinVar contains an entry for this variant (Variation ID: 265334). For these reasons, this variant has been classified as Pathogenic.

Center of Human Genetics, Hôpital Erasme
Classification: Pathogenic for Cohen syndrome. Last evaluated: 2025-01-01. Review status: criteria provided, single submitter. Criteria: ACMG Guidelines, 2015. Collection method: clinical testing. Allele origin: inherited. Affected: yes.

GeneDx
Classification: Pathogenic. Last evaluated: 2024-12-06. Review status: criteria provided, single submitter. Criteria: GeneDx Variant Classification Process June 2021. Collection method: clinical testing. Allele origin: germline. Affected: yes.
Comment: Nonsense variant predicted to result in protein truncation or nonsense mediated decay in a gene for which loss of function is a known mechanism of disease; Not observed at significant frequency in large population cohorts (gnomAD); This variant is associated with the following publications: (PMID: 31589614, Beene_2015_Paper, 28559085)

Fulgent Genetics
Classification: Pathogenic for Cohen syndrome. Last evaluated: 2024-05-07. Review status: criteria provided, single submitter. Criteria: ACMG Guidelines, 2015. Collection method: clinical testing. Allele origin: germline.

Natera, Inc.
Classification: Pathogenic for Cohen syndrome. Last evaluated: 2024-04-09. Review status: criteria provided, single submitter. Criteria: Natera Variant Classification Schema (03/2026). Collection method: clinical testing. Allele origin: germline.
Comment: The c.1915C>T variant in VPS13B is a nonsense variant predicted to introduce a stop codon at amino acid 639. This variant is expected to result in nonsense mediated decay, truncation, or a dysfunctional protein product. This variant is rare in the general population with a frequency below the threshold expected for the associated phenotype(s). This variant has been observed in one or more individuals affected with the associated recessive disease, as either homozygous or compound heterozygous with a second variant (PMID: 28559085). Given the available evidence, this variant is classified as Pathogenic.

Eurofins Ntd Llc (ga)
Classification: Pathogenic. Last evaluated: 2016-12-12. Review status: criteria provided, single submitter. Criteria: EGL Classification Definitions 2015. Collection method: clinical testing. Allele origin: germline. Observed: 1 variant allele, 1 heterozygote.

Equipe Genetique des Anomalies du Developpement, Université de Bourgogne
Classification: Likely pathogenic for Cohen syndrome. Last evaluated: 2016-01-04. Review status: criteria provided, single submitter. Criteria: ACMG Guidelines, 2015. Collection method: clinical testing. Allele origin: inherited. Affected: yes.

Counsyl
Classification: Likely pathogenic for Cohen syndrome. Last evaluated: 2015-08-20. Review status: no assertion criteria provided. Collection method: clinical testing. Allele origin: unknown. Not counted in ClinVar's aggregate classification.

Literature cited by the submitters: PubMed 15141358 (cited by Labcorp Genetics (formerly Invitae), Labcorp); PubMed 16648375 (cited by Labcorp Genetics (formerly Invitae), Labcorp); PubMed 20461111 (cited by Labcorp Genetics (formerly Invitae), Labcorp); PubMed 28559085 (cited by Labcorp Genetics (formerly Invitae), Labcorp and Natera, Inc.).

NM_152564.5(VPS13B):c.1915C>T (p.Arg639Ter)

Gene: VPS13B (vacuolar protein sorting 13 homolog B; plus strand). Cytogenetic location: 8q22.2.
Variant type: single nucleotide variant.
Coding change: c.1915C>T on transcript NM_152564.5 (MANE Select); coding-DNA position 1915, C replaced by T.
Protein change: p.Arg639Ter; replaces arginine 639 with a stop codon.
Molecular consequence: nonsense.
Genome position (GRCh38, 1-based): chr8:99,147,912, C>T. VCF-style: chr8-99147912-C-T. GRCh37 (hg19) VCF-style: chr8-100160140-C-T.
Other names: c.1915C>T, p.Arg639Ter (NM_015243.3, NM_017890.5); short protein forms R639*.
Identifiers: ClinVar variation 265334 (VCV000265334.20), dbSNP rs764776104, ClinGen allele CA4822777.